The following is an entry in ClinVar:

NM_005869.4(CWC27):c.750-4A>G

Gene: CWC27 (CWC27 spliceosome associated cyclophilin; plus strand). Cytogenetic location: 5q12.3.
Variant type: single nucleotide variant.
Coding change: c.750-4A>G on transcript NM_005869.4 (MANE Select); 4 bases into the intron before coding-DNA position 750, A replaced by G.
Molecular consequence: intron variant.
Genome position (GRCh38, 1-based): chr5:64,801,298, A>G. VCF-style: chr5-64801298-A-G. GRCh37 (hg19) VCF-style: chr5-64097125-A-G.
Other names: c.750-4A>G (NM_001297644.1, NM_001364478.1, NM_001318000.2 and 2 more transcripts).
Identifiers: ClinVar variation 1078188 (VCV001078188.11), dbSNP rs544771443, ClinGen allele CA3282082.
Genomic context (GRCh38, chr5:64,801,298, plus strand): 5'-TTACAAAATAATTGTGTTAGTTTTACCTTGAAACTAAAATTTGTTTTGCTTATTTTTTTT[A>G]TAGTGAAAAAGGTGATGCACCAGATTTAGTTGATGTAAGTATTTATTTTGGTATTAATAT-3'

ClinVar aggregate classification (germline): Likely benign. Review status: criteria provided, multiple submitters, no conflicts (2 of 4 stars). 3 submissions from 3 submitters: Likely benign (3). Last evaluated 2026-03-12.

Conditions:
CWC27-related disorder. Also called: CWC27-related condition.

Allele frequency attached by ClinVar (database versions not stated): gnomAD 0.00002 and 0.00003; TOPMed 0.00006; gnomAD exomes 0.00009 and 0.00012; 1000 Genomes Project 30x 0.00016; ExAC 0.00019; 1000 Genomes Project 0.00020.
gnomAD v4.1: 123 of 1,418,258 alleles (0.0087%); highest among the groups gnomAD compares: Non-Finnish European, 0.011%; no homozygotes.

Submissions (3):

PreventionGenetics, part of Exact Sciences
Classification: Likely benign for CWC27-related condition. Last evaluated: 2026-03-12. Review status: criteria provided, single submitter. Criteria: ACMG Guidelines, 2015. Collection method: clinical testing. Allele origin: germline.
Comment: This variant is classified as likely benign based on ACMG/AMP sequence variant interpretation guidelines (Richards et al. 2015 PMID: 25741868, with internal and published modifications).

Labcorp Genetics (formerly Invitae), Labcorp
Classification: Likely benign. Last evaluated: 2026-01-26. Review status: criteria provided, single submitter. Criteria: Invitae Variant Classification Sherloc (09022015). Collection method: clinical testing. Allele origin: germline.

Blueprint Genetics
Classification: Likely benign. Last evaluated: 2023-11-14. Review status: criteria provided, single submitter. Criteria: ACMG Guidelines, 2015. Collection method: clinical testing. Allele origin: germline.